The following is an entry in ClinVar:

NM_017780.4(CHD7):c.856A>G (p.Arg286Gly)

Gene: CHD7 (chromodomain helicase DNA binding protein 7; plus strand). Cytogenetic location: 8q12.2.
Variant type: single nucleotide variant.
Coding change: c.856A>G on transcript NM_017780.4 (MANE Select); coding-DNA position 856, A replaced by G.
Protein change: p.Arg286Gly; replaces arginine 286 with glycine.
Molecular consequence: missense variant.
Genome position (GRCh38, 1-based): chr8:60,742,288, A>G. VCF-style: chr8-60742288-A-G. GRCh37 (hg19) VCF-style: chr8-61654847-A-G.
Other names: c.856A>G, p.Arg286Gly (NM_001316690.1); short protein forms R286G.
Identifiers: ClinVar variation 158328 (VCV000158328.39), dbSNP rs61995713, ClinGen allele CA171777.

ClinVar aggregate classification (germline): Benign/Likely benign. Review status: criteria provided, multiple submitters, no conflicts (2 of 4 stars). 14 submissions from 14 submitters: Benign (10); Likely benign (2). 2 of the submissions do not count toward it. Last evaluated 2026-06-01.

Conditions:
Inborn genetic diseases. Identifiers: MedGen C0950123, MeSH D030342.
CHARGE syndrome (CHARGE). Also called: CHARGE ASSOCIATION--COLOBOMA, HEART ANOMALY, CHOANAL ATRESIA, RETARDATION, GENITAL AND EAR ANOMALIES; Coloboma, heart anomaly, choanal atresia, retardation, genital and ear anomalies; CHARGE association; Hall-Hittner syndrome; Hittner Hirsch Kreh syndrome. Identifiers: Orphanet 138, MedGen C0265354, MONDO:0008965.
Hypogonadotropic hypogonadism 5 with or without anosmia (KAL5). Also called: HYPOGONADOTROPIC HYPOGONADISM 5 WITH ANOSMIA; HYPOGONADOTROPHIC HYPOGONADISM 5 WITHOUT ANOSMIA; CHD7-Related GnRH Deficiency (Kallmann Syndrome 5). Identifiers: Orphanet 478, MedGen C3552553, MONDO:0012880, OMIM 612370. Disease mechanism: loss of function.

Allele frequency attached by ClinVar (database versions not stated): gnomAD exomes 0.00028 and 0.00067; ExAC 0.00084; gnomAD 0.00275 and 0.00290; 1000 Genomes Project 0.00339; 1000 Genomes Project 30x 0.00406; ESP Exome Variant Server 0.00248; TOPMed 0.00311.
gnomAD v4.1: 838 of 1,613,932 alleles (0.052%); highest among the groups gnomAD compares: African/African-American, 1%; 3 homozygotes.

Submissions (14):

CeGaT Center for Human Genetics Tuebingen
Classification: Likely benign. Last evaluated: 2026-06-01. Review status: criteria provided, single submitter. Criteria: CeGaT Center For Human Genetics Tuebingen Variant Classification Criteria Version 2. Collection method: clinical testing. Allele origin: germline. Affected: yes. Observed: 2 variant alleles.
Comment: CHD7: BS1

Labcorp Genetics (formerly Invitae), Labcorp
Classification: Benign for CHARGE syndrome. Last evaluated: 2026-02-02. Review status: criteria provided, single submitter. Criteria: Invitae Variant Classification Sherloc (09022015). Collection method: clinical testing. Allele origin: germline.

Blueprint Genetics
Classification: Benign. Last evaluated: 2024-11-06. Review status: criteria provided, single submitter. Criteria: ACMG Guidelines, 2015. Collection method: clinical testing. Allele origin: germline.

Fulgent Genetics
Classification: Benign for CHD7-related CHARGE syndrome; Hypogonadotropic hypogonadism 5 with or without anosmia. Last evaluated: 2021-10-20. Review status: criteria provided, single submitter. Criteria: ACMG Guidelines, 2015. Collection method: clinical testing. Allele origin: unknown.

Genetic Services Laboratory, University of Chicago
Classification: Benign. Last evaluated: 2019-06-20. Review status: criteria provided, single submitter. Criteria: ACMG Guidelines, 2015. Collection method: clinical testing. Allele origin: germline. Affected: no.

Mendelics
Classification: Likely benign for CHD7-related CHARGE syndrome. Last evaluated: 2019-05-28. Review status: criteria provided, single submitter. Criteria: Mendelics Assertion Criteria 2017. Collection method: clinical testing. Allele origin: unknown.

Mayo Clinic Laboratories, Mayo Clinic
Classification: Benign. Last evaluated: 2019-05-23. Review status: criteria provided, single submitter. Criteria: ACMG Guidelines, 2015. Collection method: clinical testing. Allele origin: germline. Observed: 2 variant alleles.

GeneDx
Classification: Benign. Last evaluated: 2019-02-05. Review status: criteria provided, single submitter. Criteria: GeneDx Variant Classification Process June 2021. Collection method: clinical testing. Allele origin: germline. Affected: yes.

Illumina Laboratory Services, Illumina
Classification: Benign for Kallmann Syndrome 5. Last evaluated: 2018-01-12. Review status: criteria provided, single submitter. Criteria: ICSL Variant Classification Criteria 13 December 2019. Collection method: clinical testing. Allele origin: germline.
Comment: This variant was observed in the ICSL laboratory as part of a predisposition screen in an ostensibly healthy population. It had not been previously curated by ICSL or reported in the Human Gene Mutation Database (HGMD: prior to June 1st, 2018), and was therefore a candidate for classification through an automated scoring system. Utilizing variant allele frequency, disease prevalence and penetrance estimates, and inheritance mode, an automated score was calculated to assess if this variant is too frequent to cause the disease. Based on the score and internal cut-off values, a variant classified as benign is not then subjected to further curation. The score for this variant resulted in a classification of benign for this disease.

Laboratory for Molecular Medicine, Mass General Brigham Personalized Medicine
Classification: Benign. Last evaluated: 2017-08-23. Review status: criteria provided, single submitter. Criteria: LMM Criteria. Collection method: clinical testing. Allele origin: germline. Observed: 1 variant allele.
Comment: p.Arg286Gly in exon 2 of CHD7: This variant is not expected to have clinical significance because it has been identified in 0.99% (95/9614) of African chromosomes by the Exome Aggregation Consortium (ExAC; dbSNP rs61995713).

Ambry Genetics
Classification: Benign for Inborn genetic diseases. Last evaluated: 2016-03-16. Review status: criteria provided, single submitter. Criteria: Ambry Variant Classification Scheme 2023. Collection method: clinical testing. Allele origin: germline.

Eurofins Ntd Llc (ga)
Classification: Benign. Last evaluated: 2014-01-16. Review status: criteria provided, single submitter. Criteria: EGL Classification Definitions 2015. Collection method: clinical testing. Allele origin: germline. Observed: 1 variant allele, 1 heterozygote.

Clinical Genetics DNA and cytogenetics Diagnostics Lab, Erasmus MC, Erasmus Medical Center
Classification: Benign. Review status: no assertion criteria provided. Collection method: clinical testing. Allele origin: germline. Affected: yes. Study: VKGL Data-share Consensus. Not counted in ClinVar's aggregate classification.

Clinical Genetics, Academic Medical Center
Classification: Benign. Review status: no assertion criteria provided. Collection method: clinical testing. Allele origin: germline. Affected: yes. Study: VKGL Data-share Consensus. Not counted in ClinVar's aggregate classification.